The following is an entry in ClinVar:

NM_000090.4(COL3A1):c.2680G>T (p.Gly894Cys)

Gene: COL3A1 (collagen type III alpha 1 chain; plus strand). Cytogenetic location: 2q32.2.
Variant type: single nucleotide variant.
Coding change: c.2680G>T on transcript NM_000090.4 (MANE Select); coding-DNA position 2680, G replaced by T.
Protein change: p.Gly894Cys; replaces glycine 894 with cysteine.
Molecular consequence: missense variant.
Genome position (GRCh38, 1-based): chr2:189,004,000, G>T. VCF-style: chr2-189004000-G-T. GRCh37 (hg19) VCF-style: chr2-189868726-G-T.
Other names: short protein forms G894C.
Identifiers: ClinVar variation 3495464 (VCV003495464.1).

ClinVar aggregate classification (germline): Likely pathogenic (1 of 4 stars; one submission).

Conditions:
Familial thoracic aortic aneurysm and aortic dissection (TAAD). Also called: Thoracic aortic aneurysms and dissections. Identifiers: Orphanet 91387, MedGen C4707243, MONDO:0019625.

Submission:

Ambry Genetics
Classification: Likely pathogenic for Familial thoracic aortic aneurysm and aortic dissection. Last evaluated: 2024-10-03. Review status: criteria provided, single submitter. Criteria: Ambry Variant Classification Scheme 2023. Collection method: clinical testing. Allele origin: germline.
Comment: The p.G894C variant (also known as c.2680G>T), located in coding exon 39 of the COL3A1 gene, results from a G to T substitution at nucleotide position 2680. The glycine at codon 894 is replaced by cysteine, an amino acid with highly dissimilar properties. The majority (approximately two-thirds) ofCOL3A1mutations identified to date have involved the substitution of another amino acid for glycine within the triple-helical domain (PepinMG et al.GenetMed.2014;16(12):881-8; Frank M et al.Eur J Hum Genet. 2015;23(12):1657-64). Internal structural analysis indicates that this alteration disrupts the characteristic G-X-Y motif in theCOL3A1protein and inserts a bulky side chain into asterically-constrainedregion (Bella J et al.Science.1994;266:75-81;HohenesterE et al.Proc. Natl.Acad. Sci. U.S.A.2008;105:18273-7; Ambry internal data). This amino acid position is highly conserved in available vertebrate species. In addition, this alteration is predicted to be deleterious by in silico analysis. This variant is considered to be rare based on population cohorts in the Genome Aggregation Database (gnomAD). Based on the majority of available evidence to date, this variant is likely to be pathogenic.